The following is an entry in ClinVar:

NM_031443.4(CCM2):c.160G>T (p.Glu54Ter)

Gene: CCM2 (CCM2 scaffold protein; plus strand). Cytogenetic location: 7p13.
Variant type: single nucleotide variant.
Coding change: c.160G>T on transcript NM_031443.4 (MANE Select); coding-DNA position 160, G replaced by T.
Protein change: p.Glu54Ter; replaces glutamic acid 54 with a stop codon.
Molecular consequence: nonsense. On other transcripts: non-coding transcript variant (1), intron variant (2).
Genome position (GRCh38, 1-based): chr7:45,038,382, G>T. VCF-style: chr7-45038382-G-T. GRCh37 (hg19) VCF-style: chr7-45077981-G-T.
Other names: c.223G>T, p.Glu75Ter (NM_001029835.2); c.160G>T, p.Glu54Ter (NM_001167935.2, NM_001363458.2); c.31-25536G>T (NM_001363459.2, NM_001167934.2); short protein forms E54*, E75*.
Identifiers: ClinVar variation 3061342 (VCV003061342.2), dbSNP rs759104121, ClinGen allele CA367427201.

ClinVar aggregate classification (germline): Likely pathogenic (0 of 4 stars; one submission).

Conditions:
CCM2-related disorder. Also called: CCM2-related condition.

Submission:

PreventionGenetics, part of Exact Sciences
Classification: Likely pathogenic for CCM2-related condition. Last evaluated: 2024-02-16. Review status: no assertion criteria provided. Collection method: clinical testing. Allele origin: germline.
Comment: The CCM2 c.160G>T variant is predicted to result in premature protein termination (p.Glu54*). To our knowledge, this variant has not been reported in the literature or in a large population database, indicating this variant is rare. Nonsense variants in CCM2 are expected to be pathogenic. This variant is interpreted as likely pathogenic.